The following is an entry in ClinVar:

NM_005491.5(MAMLD1):c.2075C>T (p.Ala692Val)

Gene: MAMLD1 (mastermind like domain containing 1; plus strand). Cytogenetic location: Xq28.
Variant type: single nucleotide variant.
Coding change: c.2075C>T on transcript NM_005491.5 (MANE Select); coding-DNA position 2075, C replaced by T.
Protein change: p.Ala692Val; replaces alanine 692 with valine.
Molecular consequence: missense variant. On other transcripts: intron variant (2).
Genome position (GRCh38, 1-based): chrX:150,503,308, C>T. VCF-style: chrX-150503308-C-T. GRCh37 (hg19) VCF-style: chrX-149671578-C-T.
Other names: c.2000C>T, p.Ala667Val (NM_001177466.3); c.1952C>T, p.Ala651Val (NM_001400513.1); c.1877C>T, p.Ala626Val (NM_001400514.1); c.2075C>T, p.Ala692Val (NM_001400515.1); c.1918-6654C>T (NM_001400512.1); c.1843-6654C>T (NM_001177465.3); short protein forms A651V, A667V, A692V, A626V.
Identifiers: ClinVar variation 2971986 (VCV002971986.4), dbSNP rs782330913, ClinGen allele CA337084750.
Genomic context (GRCh38, chrX:150,503,308, plus strand): 5'-ATGGATTGTTCAATCGGTTGTTGTAGACTCATGTAGACAAAGCCTGCAAGCTTGGGGAAG[C>T]CAGGCACCCCCAGGTCAGCCTCGGGCGACAGCCCCCGTCCTGCCAGGCCCTGGGGAGTGA-3'
Protein context (NP_005482.2, residues 682-702): HVDKACKLGE[Ala692Val]RHPQVSLGRQ

ClinVar aggregate classification (germline): Conflicting classifications of pathogenicity. Review status: criteria provided, conflicting classifications (1 of 4 stars). 2 submissions from 2 submitters: Uncertain significance (1); Likely benign (1). Last evaluated 2023-07-30.

gnomAD v4.1: 9 of 1,210,680 alleles (0.00074%); highest among the groups gnomAD compares: Middle Eastern, 0.21%; no homozygotes.

Submissions (2):

Labcorp Genetics (formerly Invitae), Labcorp
Classification: Uncertain significance. Last evaluated: 2023-07-30. Review status: criteria provided, single submitter. Criteria: Invitae Variant Classification Sherloc (09022015). Collection method: clinical testing. Allele origin: germline.
Comment: This variant has not been reported in the literature in individuals affected with MAMLD1-related conditions. An algorithm developed to predict the effect of missense changes on protein structure and function (PolyPhen-2) suggests that this variant is likely to be disruptive. In summary, the available evidence is currently insufficient to determine the role of this variant in disease. Therefore, it has been classified as a Variant of Uncertain Significance. This variant is not present in population databases (gnomAD no frequency). This sequence change replaces alanine, which is neutral and non-polar, with valine, which is neutral and non-polar, at codon 692 of the MAMLD1 protein (p.Ala692Val).

Blueprint Genetics
Classification: Likely benign. Last evaluated: 2023-02-23. Review status: criteria provided, single submitter. Criteria: ACMG Guidelines, 2015. Collection method: clinical testing. Allele origin: germline.